The following is an entry in ClinVar:

NM_002734.5(PRKAR1A):c.196C>G (p.Gln66Glu)

Gene: PRKAR1A (protein kinase cAMP-dependent type I regulatory subunit alpha; plus strand). Cytogenetic location: 17q24.2.
Variant type: single nucleotide variant.
Coding change: c.196C>G on transcript NM_002734.5 (MANE Select); coding-DNA position 196, C replaced by G.
Protein change: p.Gln66Glu; replaces glutamine 66 with glutamic acid.
Molecular consequence: missense variant.
Genome position (GRCh38, 1-based): chr17:68,522,774, C>G. VCF-style: chr17-68522774-C-G. GRCh37 (hg19) VCF-style: chr17-66518915-C-G.
Other names: c.196C>G, p.Gln66Glu (NM_001276289.2, NM_001276290.1, NM_001278433.2 and 4 more transcripts); short protein forms Q66E.
Identifiers: ClinVar variation 1692714 (VCV001692714.6), dbSNP rs1600478559, ClinGen allele CA400752194.
Genomic context (GRCh38, chr17:68,522,774, plus strand): 5'-ATGCCGAAGGATCTCATTTTGCAAACTCGTAATTTCTTTCAGGAGGAGGCAAAACAGATT[C>G]AGAATCTGCAGAAAGCAGGCACTCGTACAGACTCAAGGGAGGATGAGATTTCTCCTCCTC-3'
Protein context (NP_002725.1, residues 56-76): RLEKEEAKQI[Gln66Glu]NLQKAGTRTD

ClinVar aggregate classification (germline): Uncertain significance. Review status: criteria provided, multiple submitters, no conflicts (2 of 4 stars). 3 submissions from 3 submitters: Uncertain significance (3). Last evaluated 2024-10-11.

Conditions:
Hereditary cancer-predisposing syndrome. Also called: Hereditary Cancer Syndrome; Hereditary neoplastic syndrome; Neoplastic Syndromes, Hereditary; Tumor predisposition. Identifiers: Orphanet 140162, MedGen C0027672, MeSH D009386, MONDO:0015356.
Carney complex, type 1 (CNC1). Also called: CARNEY MYXOMA-ENDOCRINE COMPLEX; CARNEY COMPLEX, TYPE I. Identifiers: Orphanet 1359, MedGen C2607929, MONDO:0008057, OMIM 160980.

Allele frequency attached by ClinVar (database versions not stated): gnomAD exomes below 0.00001.

Submissions (3):

Labcorp Genetics (formerly Invitae), Labcorp
Classification: Uncertain significance for Carney complex, type 1. Last evaluated: 2024-10-11. Review status: criteria provided, single submitter. Criteria: Invitae Variant Classification Sherloc (09022015). Collection method: clinical testing. Allele origin: germline.
Comment: This sequence change replaces glutamine, which is neutral and polar, with glutamic acid, which is acidic and polar, at codon 66 of the PRKAR1A protein (p.Gln66Glu). This variant is not present in population databases (gnomAD no frequency). This variant has not been reported in the literature in individuals affected with PRKAR1A-related conditions. ClinVar contains an entry for this variant (Variation ID: 1692714). Invitae Evidence Modeling of protein sequence and biophysical properties (such as structural, functional, and spatial information, amino acid conservation, physicochemical variation, residue mobility, and thermodynamic stability) indicates that this missense variant is not expected to disrupt PRKAR1A protein function with a negative predictive value of 95%. In summary, the available evidence is currently insufficient to determine the role of this variant in disease. Therefore, it has been classified as a Variant of Uncertain Significance.

Ambry Genetics
Classification: Uncertain significance for Hereditary cancer-predisposing syndrome. Last evaluated: 2024-05-24. Review status: criteria provided, single submitter. Criteria: Ambry Variant Classification Scheme 2023. Collection method: clinical testing. Allele origin: germline.
Comment: The p.Q66E variant (also known as c.196C>G), located in coding exon 2 of the PRKAR1A gene, results from a C to G substitution at nucleotide position 196. The glutamine at codon 66 is replaced by glutamic acid, an amino acid with highly similar properties. This amino acid position is not well conserved in available vertebrate species. In addition, this alteration is predicted to be tolerated by in silico analysis. Based on the available evidence, the clinical significance of this variant remains unclear.

Sema4
Classification: Uncertain significance for Hereditary cancer-predisposing syndrome. Last evaluated: 2022-02-07. Review status: criteria provided, single submitter. Criteria: Sema4 Curation Guidelines. Collection method: curation. Allele origin: germline.
Comment: The PRKAR1A c.196C>G (p.Q66E) variant has not been reported in the literature to our knowledge. It was not observed in the large and broad cohorts of the Genome Aggregation Database (PMID: 32461654). The variant has not been reported in ClinVar. Functional studies have not been performed, and in silico predictions of the variant's effect on protein function are inconclusive. The evidence is insufficient to meet ACMG/AMP criteria for classifying the variant as benign or pathogenic. Thus, the clinical significance of this variant is currently uncertain.